The following is an entry in ClinVar:

ClinVar aggregate classification (germline): Uncertain significance (1 of 4 stars; one submission).

Submission:

Labcorp Genetics (formerly Invitae), Labcorp
Classification: Uncertain significance. Last evaluated: 2022-09-23. Review status: criteria provided, single submitter. Criteria: Invitae Variant Classification Sherloc (09022015). Collection method: clinical testing. Allele origin: germline.
Comment: Advanced modeling of protein sequence and biophysical properties (such as structural, functional, and spatial information, amino acid conservation, physicochemical variation, residue mobility, and thermodynamic stability) performed at Invitae indicates that this missense variant is not expected to disrupt CACNA1F protein function. In summary, the available evidence is currently insufficient to determine the role of this variant in disease. Therefore, it has been classified as a Variant of Uncertain Significance. This variant has not been reported in the literature in individuals affected with CACNA1F-related conditions. This variant is not present in population databases (gnomAD no frequency). This sequence change replaces glutamic acid, which is acidic and polar, with alanine, which is neutral and non-polar, at codon 417 of the CACNA1F protein (p.Glu417Ala).

NM_001256789.3(CACNA1F):c.1250A>C (p.Glu417Ala)

Gene: CACNA1F (calcium voltage-gated channel subunit alpha1 F; minus strand). Cytogenetic location: Xp11.23.
Variant type: single nucleotide variant.
Coding change: c.1250A>C on transcript NM_001256789.3 (MANE Select); coding-DNA position 1250, A replaced by C.
Protein change: p.Glu417Ala; replaces glutamic acid 417 with alanine.
Molecular consequence: missense variant.
Genome position (GRCh38, 1-based): chrX:49,226,996, T>G on the plus strand (A>C on the coding strand, the complement: CACNA1F is on the minus strand). VCF-style: chrX-49226996-T-G. GRCh37 (hg19) VCF-style: chrX-49083458-T-G.
Other names: c.1055A>C, p.Glu352Ala (NM_001256790.3); c.1250A>C, p.Glu417Ala (NM_005183.4); short protein forms E352A, E417A.
Identifiers: ClinVar variation 1720231 (VCV001720231.5), dbSNP rs2519127923, ClinGen allele CA412918517.